The following is an entry in ClinVar:

NM_003413.4(ZIC3):c.765G>A (p.Trp255Ter)

Gene: ZIC3 (Zic family zinc finger 3; plus strand). Cytogenetic location: Xq26.3.
Variant type: single nucleotide variant.
Coding change: c.765G>A on transcript NM_003413.4 (MANE Select); coding-DNA position 765, G replaced by A.
Protein change: p.Trp255Ter; replaces tryptophan 255 with a stop codon.
Molecular consequence: nonsense.
Genome position (GRCh38, 1-based): chrX:137,567,456, G>A. VCF-style: chrX-137567456-G-A. GRCh37 (hg19) VCF-style: chrX-136649615-G-A.
Other names: c.765G>A, p.Trp255Ter (NM_001330661.1); short protein forms W255*.
Identifiers: ClinVar variation 4996707 (VCV004996707.1).

ClinVar aggregate classification (germline): Likely pathogenic (1 of 4 stars; one submission).

Conditions:
ZIC3-related disorder. Also called: ZIC3-related condition; ZIC3-Related Disorders.

Submission:

PreventionGenetics, part of Exact Sciences
Classification: Likely pathogenic for ZIC3-related condition. Last evaluated: 2026-04-30. Review status: criteria provided, single submitter. Criteria: ACMG Guidelines, 2015. Collection method: clinical testing. Allele origin: germline.
Comment: The ZIC3 c.765G>A variant is predicted to result in premature protein termination (p.Trp255*). To our knowledge, this variant has not been reported in the literature or in a large population database (gnomAD), indicating this variant is rare. Nonsense variants in ZIC3 are expected to be pathogenic. This variant is interpreted as likely pathogenic.